The following is an entry in ClinVar:

NM_017849.4(TMEM127):c.195G>T (p.Glu65Asp)

Gene: TMEM127 (transmembrane protein 127; minus strand). Cytogenetic location: 2q11.2.
Variant type: single nucleotide variant.
Coding change: c.195G>T on transcript NM_017849.4 (MANE Select); coding-DNA position 195, G replaced by T.
Protein change: p.Glu65Asp; replaces glutamic acid 65 with aspartic acid.
Molecular consequence: missense variant. On other transcripts: intron variant (1).
Genome position (GRCh38, 1-based): chr2:96,265,187, C>A on the plus strand (G>T on the coding strand, the complement: TMEM127 is on the minus strand). VCF-style: chr2-96265187-C-A. GRCh37 (hg19) VCF-style: chr2-96930925-C-A.
Other names: c.195G>T, p.Glu65Asp (NM_001193304.3); c.-9+682G>T (NM_001407283.1); short protein forms E65D.
Identifiers: ClinVar variation 5030911 (VCV005030911.1).

ClinVar aggregate classification (germline): Uncertain significance (1 of 4 stars; one submission).

Conditions:
Hereditary cancer-predisposing syndrome. Also called: Neoplastic Syndromes, Hereditary; Tumor predisposition; Hereditary neoplastic syndrome; Hereditary Cancer Syndrome. Identifiers: Orphanet 140162, MedGen C0027672, MeSH D009386, MONDO:0015356.

Submission:

Ambry Genetics
Classification: Uncertain significance for Hereditary cancer-predisposing syndrome. Last evaluated: 2026-07-07. Review status: criteria provided, single submitter. Criteria: Ambry Variant Classification Scheme 2023. Collection method: clinical testing. Allele origin: germline.
Comment: The p.E65D variant (also known as c.195G>T), located in coding exon 1 of the TMEM127 gene, results from a G to T substitution at nucleotide position 195. The glutamic acid at codon 65 is replaced by aspartic acid, an amino acid with highly similar properties. This amino acid position is conserved. In addition, the in silico prediction for this alteration is inconclusive. Based on the available evidence, the clinical significance of this variant remains unclear.